The following is an entry in ClinVar:

ClinVar aggregate classification (germline): Uncertain significance (1 of 4 stars; one submission).

Allele frequency attached by ClinVar (database versions not stated): TOPMed 0.00001; gnomAD exomes 0.00002; gnomAD 0.00003; ExAC 0.00004.
gnomAD v4.1: 19 of 1,578,164 alleles (0.0012%); highest among the groups gnomAD compares: African/African-American, 0.0054%; no homozygotes.

Submission:

Labcorp Genetics (formerly Invitae), Labcorp
Classification: Uncertain significance. Last evaluated: 2025-07-01. Review status: criteria provided, single submitter. Criteria: Invitae Variant Classification Sherloc (09022015). Collection method: clinical testing. Allele origin: germline.
Comment: This sequence change replaces valine, which is neutral and non-polar, with methionine, which is neutral and non-polar, at codon 288 of the PLEKHM2 protein (p.Val288Met). The frequency data for this variant in the population databases is considered unreliable, as metrics indicate poor data quality at this position in the gnomAD database. This variant has not been reported in the literature in individuals affected with PLEKHM2-related conditions. ClinVar contains an entry for this variant (Variation ID: 1422524). An algorithm developed to predict the effect of missense changes on protein structure and function (PolyPhen-2) suggests that this variant is likely to be disruptive. In summary, the available evidence is currently insufficient to determine the role of this variant in disease. Therefore, it has been classified as a Variant of Uncertain Significance.

NM_015164.4(PLEKHM2):c.862G>A (p.Val288Met)

Gene: PLEKHM2 (pleckstrin homology and RUN domain containing M2; plus strand). Cytogenetic location: 1p36.21.
Variant type: single nucleotide variant.
Coding change: c.862G>A on transcript NM_015164.4 (MANE Select); coding-DNA position 862, G replaced by A.
Protein change: p.Val288Met; replaces valine 288 with methionine.
Molecular consequence: missense variant.
Genome position (GRCh38, 1-based): chr1:15,725,466, G>A. VCF-style: chr1-15725466-G-A. GRCh37 (hg19) VCF-style: chr1-16051961-G-A.
Other names: short protein forms V288M.
Identifiers: ClinVar variation 1422524 (VCV001422524.6), dbSNP rs764750661, ClinGen allele CA616789.